The following is an entry in ClinVar:

NM_000038.6(APC):c.5881G>A (p.Val1961Ile)

Gene: APC (APC regulator of WNT signaling pathway; plus strand). Cytogenetic location: 5q22.2.
Variant type: single nucleotide variant.
Coding change: c.5881G>A on transcript NM_000038.6 (MANE Select); coding-DNA position 5881, G replaced by A.
Protein change: p.Val1961Ile; replaces valine 1961 with isoleucine.
Molecular consequence: missense variant. On other transcripts: non-coding transcript variant (2).
Genome position (GRCh38, 1-based): chr5:112,841,475, G>A. VCF-style: chr5-112841475-G-A. GRCh37 (hg19) VCF-style: chr5-112177172-G-A.
Other names: c.5881G>A, p.Val1961Ile (NM_001127510.3, NM_001354895.2, NM_001407450.1); c.5827G>A, p.Val1943Ile (NM_001127511.3); c.5935G>A, p.Val1979Ile (NM_001354896.2, NM_001407447.1, NM_001407448.1 and 1 more transcripts); c.5911G>A, p.Val1971Ile (NM_001354897.2); c.5806G>A, p.Val1936Ile (NM_001354898.2); c.5797G>A, p.Val1933Ile (NM_001354899.2); c.5758G>A, p.Val1920Ile (NM_001354900.2); c.5704G>A, p.Val1902Ile (NM_001354901.2, NM_001407453.1); and 11 more; short protein forms V1577I, V1678I, V1801I, V1832I, V1835I, V1860I, V1870I, V1878I.
Identifiers: ClinVar variation 3073838 (VCV003073838.1), dbSNP rs957226267, ClinGen allele CA16034197.

ClinVar aggregate classification (germline): Uncertain significance (1 of 4 stars; one submission).

Conditions:
Classic or attenuated familial adenomatous polyposis. Identifiers: MedGen CN372698, MONDO:0021057.

Submission:

All of Us Research Program, National Institutes of Health
Classification: Uncertain significance for Classic or attenuated familial adenomatous polyposis. Last evaluated: 2023-10-06. Review status: criteria provided, single submitter. Criteria: ACMG Guidelines, 2015. Collection method: clinical testing. Allele origin: germline. Inheritance: Autosomal dominant inheritance. Observed: 1 variant allele, 1 heterozygote.
Comment: This missense variant replaces valine with isoleucine at codon 1961 of the APC protein. Computational prediction suggests that this variant may not impact protein structure and function (internally defined REVEL score threshold <= 0.5, PMID: 27666373). To our knowledge, functional studies have not been reported for this variant. This variant has not been reported in individuals affected with APC-related disorders in the literature. This variant has not been identified in the general population by the Genome Aggregation Database (gnomAD). The available evidence is insufficient to determine the role of this variant in disease conclusively. Therefore, this variant is classified as a Variant of Uncertain Significance.

This study involves interpretation of variants in research participants for the purpose of population health screening. Participant phenotype was not available at the time of variant classification. Additional details can be found in publication PMID: 35346344, PMCID: PMC8962531